The following is an entry in ClinVar:

NM_000078.3(CETP):c.804G>T (p.Ser268=)

Gene: CETP (cholesteryl ester transfer protein; plus strand). Cytogenetic location: 16q13.
Variant type: single nucleotide variant.
Coding change: c.804G>T on transcript NM_000078.3 (MANE Select); coding-DNA position 804, G replaced by T.
Protein change: p.Ser268=; no amino-acid change (serine 268 retained).
Molecular consequence: synonymous variant. On other transcripts: intron variant (1).
Genome position (GRCh38, 1-based): chr16:56,973,384, G>T. VCF-style: chr16-56973384-G-T. GRCh37 (hg19) VCF-style: chr16-57007296-G-T.
Other names: p.Ser268=; c.750+1301G>T (NM_001286085.2).
Identifiers: ClinVar variation 319983 (VCV000319983.14), dbSNP rs28381707, ClinGen allele CA8071106.

ClinVar aggregate classification (germline): Benign/Likely benign. Review status: criteria provided, multiple submitters, no conflicts (2 of 4 stars). 3 submissions from 3 submitters: Benign (1); Likely benign (2). Last evaluated 2025-10-06.

Conditions:
Hyperalphalipoproteinemia 1 (HALP1). Also called: CETP-Related Hyperalphalipoproteinemia; CETP DEFICIENCY. Identifiers: MedGen C3149462, OMIM 143470.

Allele frequency attached by ClinVar (database versions not stated): 1000 Genomes Project 30x 0.00016; 1000 Genomes Project 0.00020; TOPMed 0.00068; ESP Exome Variant Server 0.00085.
gnomAD v4.1: 1,806 of 1,614,068 alleles (0.11%); highest among the groups gnomAD compares: Non-Finnish European, 0.15%; 3 homozygotes.

Submissions (3):

Labcorp Genetics (formerly Invitae), Labcorp
Classification: Likely benign. Last evaluated: 2025-10-06. Review status: criteria provided, single submitter. Criteria: Invitae Variant Classification Sherloc (09022015). Collection method: clinical testing. Allele origin: germline.

Mayo Clinic Laboratories, Mayo Clinic
Classification: Likely benign. Last evaluated: 2025-06-03. Review status: criteria provided, single submitter. Criteria: ACMG Guidelines, 2015. Collection method: clinical testing. Allele origin: germline. Observed: 1 variant allele.
Comment: BS1, BP4, BP7

Illumina Laboratory Services, Illumina
Classification: Benign for Hyperalphalipoproteinemia 1. Last evaluated: 2018-01-12. Review status: criteria provided, single submitter. Criteria: ICSL Variant Classification Criteria 13 December 2019. Collection method: clinical testing. Allele origin: germline.
Comment: This variant was observed in the ICSL laboratory as part of a predisposition screen in an ostensibly healthy population. It had not been previously curated by ICSL or reported in the Human Gene Mutation Database (HGMD: prior to June 1st, 2018), and was therefore a candidate for classification through an automated scoring system. Utilizing variant allele frequency, disease prevalence and penetrance estimates, and inheritance mode, an automated score was calculated to assess if this variant is too frequent to cause the disease. Based on the score and internal cut-off values, a variant classified as benign is not then subjected to further curation. The score for this variant resulted in a classification of benign for this disease.